The following is an entry in ClinVar:

NM_004360.5(CDH1):c.532-13A>G

Gene: CDH1 (cadherin 1; plus strand). Cytogenetic location: 16q22.1.
Variant type: single nucleotide variant.
Coding change: c.532-13A>G on transcript NM_004360.5 (MANE Select); 13 bases into the intron before coding-DNA position 532, A replaced by G.
Molecular consequence: intron variant.
Genome position (GRCh38, 1-based): chr16:68,808,680, A>G. VCF-style: chr16-68808680-A-G. GRCh37 (hg19) VCF-style: chr16-68842583-A-G.
Other names: c.-1084-13A>G (NM_001317185.2); c.-1288-13A>G (NM_001317186.2); c.532-13A>G (NM_001317184.2).
Identifiers: ClinVar variation 2058835 (VCV002058835.5), dbSNP rs747325035, ClinGen allele CA8129890.

ClinVar aggregate classification (germline): Likely benign. Review status: criteria provided, multiple submitters, no conflicts (2 of 4 stars). 2 submissions from 2 submitters: Likely benign (2). Last evaluated 2025-02-04.

Conditions:
Hereditary diffuse gastric adenocarcinoma (HDGC). Also called: DIFFUSE GASTRIC AND LOBULAR BREAST CANCER SYNDROME. Identifiers: Orphanet 26106, MedGen C1708349, MONDO:0007648, OMIM 137215.

Allele frequency attached by ClinVar (database versions not stated): gnomAD exomes below 0.00001; ExAC 0.00001.

Submissions (2):

Labcorp Genetics (formerly Invitae), Labcorp
Classification: Likely benign for Hereditary diffuse gastric adenocarcinoma. Last evaluated: 2025-02-04. Review status: criteria provided, single submitter. Criteria: Invitae Variant Classification Sherloc (09022015). Collection method: clinical testing. Allele origin: germline.

Myriad Genetics, Inc.
Classification: Likely benign for Hereditary diffuse gastric adenocarcinoma. Last evaluated: 2024-09-13. Review status: criteria provided, single submitter. Criteria: Myriad Autosomal Dominant, Autosomal Recessive and X-Linked Classification Criteria (2023). Collection method: clinical testing. Allele origin: unknown.
Comment: This variant is considered likely benign. This variant is intronic and is not expected to impact mRNA splicing.